The following is an entry in ClinVar:

ClinVar aggregate classification (germline): Uncertain significance (1 of 4 stars; one submission).

gnomAD v4.1: 8 of 1,612,684 alleles (0.0005%); highest among the groups gnomAD compares: Non-Finnish European, 0.00068%; no homozygotes.

Submission:

Labcorp Genetics (formerly Invitae), Labcorp
Classification: Uncertain significance. Last evaluated: 2022-06-28. Review status: criteria provided, single submitter. Criteria: Invitae Variant Classification Sherloc (09022015). Collection method: clinical testing. Allele origin: germline.
Comment: Algorithms developed to predict the effect of sequence changes on RNA splicing suggest that this variant may create or strengthen a splice site. In summary, the available evidence is currently insufficient to determine the role of this variant in disease. Therefore, it has been classified as a Variant of Uncertain Significance. Algorithms developed to predict the effect of missense changes on protein structure and function are either unavailable or do not agree on the potential impact of this missense change (SIFT: "Tolerated"; PolyPhen-2: "Probably Damaging"; Align-GVGD: "Class C0"). This sequence change replaces threonine, which is neutral and polar, with arginine, which is basic and polar, at codon 306 of the ABHD12 protein (p.Thr306Arg). This variant is present in population databases (no rsID available, gnomAD 0.0009%). This variant has not been reported in the literature in individuals affected with ABHD12-related conditions.

NM_001042472.3(ABHD12):c.917C>G (p.Thr306Arg)

Gene: ABHD12 (abhydrolase domain containing 12, lysophospholipase; minus strand). Cytogenetic location: 20p11.21.
Variant type: single nucleotide variant.
Coding change: c.917C>G on transcript NM_001042472.3 (MANE Select); coding-DNA position 917, C replaced by G.
Protein change: p.Thr306Arg; replaces threonine 306 with arginine.
Molecular consequence: missense variant.
Genome position (GRCh38, 1-based): chr20:25,306,866, G>C on the plus strand (C>G on the coding strand, the complement: ABHD12 is on the minus strand). VCF-style: chr20-25306866-G-C. GRCh37 (hg19) VCF-style: chr20-25287502-G-C.
Other names: c.917C>G, p.Thr306Arg (NM_015600.5); short protein forms T306R.
Identifiers: ClinVar variation 1978784 (VCV001978784.4), dbSNP rs748629765, ClinGen allele CA408455665.